The following is an entry in ClinVar:

NM_007294.4(BRCA1):c.1271del (p.Gly424fs)

Gene: BRCA1 (BRCA1 DNA repair associated; minus strand). Cytogenetic location: 17q21.31.
Variant type: Deletion.
Coding change: c.1271del on transcript NM_007294.4 (MANE Select); coding-DNA position 1271, one base deleted (G; older notation c.1271delG).
Protein change: p.Gly424fs; shifts the reading frame from glycine 424.
Molecular consequence: frameshift variant. On other transcripts: intron variant (137).
Genome position (GRCh38, 1-based): chr17:43,094,260, C deleted on the plus strand (G on the coding strand, the reverse complement: BRCA1 is on the minus strand); the first of 2 consecutive C bases (chr17:43,094,260-43,094,261); deleting either gives the same sequence. VCF-style (leftmost placement, unchanged base first): chr17-43094259-AC-A. GRCh37 (hg19) VCF-style: chr17-41246276-AC-A.
Other names: c.460+1586del (NM_001408507.1, NM_001408506.1); c.545-3228del (NM_001408495.1); c.1058del, p.Gly353fs (NM_001407895.1, NM_001407897.1, NM_001407896.1 and 9 more transcripts); c.1061del, p.Gly354fs (NM_001407900.1, NM_001407902.1, NM_001407904.1 and 13 more transcripts); c.523+484del (NM_001408496.1, NM_001408498.1, NM_001408501.1 and 3 more transcripts); c.661+484del (NM_001408448.1, NM_001408446.1, NM_001408435.1 and 6 more transcripts); c.667+1586del (NM_001408421.1, NM_001408431.1, NM_001408424.1); c.784+484del (NM_001407991.1, NM_001408397.1, NM_001408401.1 and 13 more transcripts); and 41 more; short protein forms G377fs, G424fs, G256fs, G357fs, G376fs, G398fs, G296fs, G313fs.
Identifiers: ClinVar variation 1765579 (VCV001765579.2), dbSNP rs2552218329, ClinGen allele CA2580093895.
Genomic context (GRCh38, chr17:43,094,259, plus strand): 5'-ACTTTTACATATTAAAGCCTCATGAGGATCACTGGCCAGTAAGTCTATTTTCTCTGAAGA[AC>A]CAGAATATTCATCTACCTCATTTAGAACGTCCAATACATCAGCTACTTTGGCATTTGATT-3'

ClinVar aggregate classification (germline): Pathogenic (1 of 4 stars; one submission).

Conditions:
Hereditary cancer-predisposing syndrome. Also called: Neoplastic Syndromes, Hereditary; Tumor predisposition; Hereditary Cancer Syndrome; Hereditary neoplastic syndrome. Identifiers: Orphanet 140162, MedGen C0027672, MeSH D009386, MONDO:0015356.

Submission:

Ambry Genetics
Classification: Pathogenic for Hereditary cancer-predisposing syndrome. Last evaluated: 2022-08-22. Review status: criteria provided, single submitter. Criteria: Ambry Variant Classification Scheme 2023. Collection method: clinical testing. Allele origin: germline.
Comment: The c.1271delG variant, located in coding exon 9 of the BRCA1 gene, results from a deletion of one nucleotide at nucleotide position 1271, causing a translational frameshift with a predicted alternate stop codon (p.G424Vfs*6). This variant is considered to be rare based on population cohorts in the Genome Aggregation Database (gnomAD). This alteration is expected to result in loss of function by premature protein truncation or nonsense-mediated mRNA decay. As such, this alteration is interpreted as a disease-causing mutation.